The following is an entry in ClinVar:

NM_004260.4(RECQL4):c.172G>A (p.Gly58Arg)

Genes: RECQL4 (RecQ like helicase 4; minus strand), LOC130001411 (ATAC-STARR-seq lymphoblastoid silent region 19699; plus strand). Cytogenetic location: 8q24.3.
Variant type: single nucleotide variant.
Coding change: c.172G>A on transcript NM_004260.4 (MANE Select); coding-DNA position 172, G replaced by A.
Protein change: p.Gly58Arg; replaces glycine 58 with arginine.
Molecular consequence: missense variant.
Genome position (GRCh38, 1-based): chr8:144,517,455, C>T on the plus strand (G>A on the coding strand, the complement: RECQL4 is on the minus strand). VCF-style: chr8-144517455-C-T. GRCh37 (hg19) VCF-style: chr8-145742839-C-T.
Other names: c.172G>A (NM_004260.3); c.172G>A, p.Gly58Arg (NM_001413017.1, NM_001413018.1, NM_001413019.1 and 5 more transcripts); c.-549G>A (NM_001413021.1); c.-900G>A (NM_001413022.1, NM_001413023.1, NM_001413037.1 and 2 more transcripts); c.-797G>A (NM_001413024.1, NM_001413035.1); c.-962G>A (NM_001413027.1, NM_001413030.1, NM_001413031.1 and 1 more transcripts); c.-625G>A (NM_001413028.1); c.-859G>A (NM_001413032.1); and 2 more; short protein forms G58R.
Identifiers: ClinVar variation 2189241 (VCV002189241.5), dbSNP rs1815352345, ClinGen allele CA372692622.

ClinVar aggregate classification (germline): Uncertain significance. Review status: criteria provided, multiple submitters, no conflicts (2 of 4 stars). 2 submissions from 2 submitters: Uncertain significance (2). Last evaluated 2026-04-30.

Conditions:
Inborn genetic diseases. Identifiers: MedGen C0950123, MeSH D030342.
Baller-Gerold syndrome (BGS). Also called: CRANIOSYNOSTOSIS WITH RADIAL DEFECTS. Identifiers: Orphanet 1225, MedGen C0265308, MONDO:0009039, OMIM 218600.

Allele frequency attached by ClinVar (database versions not stated): gnomAD 0.00001.

Submissions (2):

Ambry Genetics
Classification: Uncertain significance for Inborn genetic diseases. Last evaluated: 2026-04-30. Review status: criteria provided, single submitter. Criteria: Ambry Variant Classification Scheme 2023. Collection method: clinical testing. Allele origin: germline.
Comment: The p.G58R variant (also known as c.172G>A), located in coding exon 3 of the RECQL4 gene, results from a G to A substitution at nucleotide position 172. The glycine at codon 58 is replaced by arginine, an amino acid with dissimilar properties. This amino acid position is conserved. In addition, this alteration is predicted to be tolerated by in silico analysis. Based on the available evidence, the clinical significance of this variant remains unclear.

Labcorp Genetics (formerly Invitae), Labcorp
Classification: Uncertain significance for Baller-Gerold syndrome. Last evaluated: 2022-06-07. Review status: criteria provided, single submitter. Criteria: Invitae Variant Classification Sherloc (09022015). Collection method: clinical testing. Allele origin: germline.
Comment: This variant is not present in population databases (gnomAD no frequency). This sequence change replaces glycine, which is neutral and non-polar, with arginine, which is basic and polar, at codon 58 of the RECQL4 protein (p.Gly58Arg). This variant has not been reported in the literature in individuals affected with RECQL4-related conditions. Experimental studies and prediction algorithms are not available or were not evaluated, and the functional significance of this variant is currently unknown. In summary, the available evidence is currently insufficient to determine the role of this variant in disease. Therefore, it has been classified as a Variant of Uncertain Significance.